The following is an entry in ClinVar:

NM_173601.2(GXYLT1):c.525G>A (p.Thr175=)

Gene: GXYLT1 (glucoside xylosyltransferase 1; minus strand). Cytogenetic location: 12q12.
Variant type: single nucleotide variant.
Coding change: c.525G>A on transcript NM_173601.2 (MANE Select); coding-DNA position 525, G replaced by A.
Protein change: p.Thr175=; no amino-acid change (threonine 175 retained).
Molecular consequence: synonymous variant.
Genome position (GRCh38, 1-based): chr12:42,109,653, C>T on the plus strand (G>A on the coding strand, the complement: GXYLT1 is on the minus strand). VCF-style: chr12-42109653-C-T. GRCh37 (hg19) VCF-style: chr12-42503455-C-T.
Other names: c.432G>A, p.Thr144= (NM_001099650.2).
Identifiers: ClinVar variation 3049282 (VCV003049282.2), dbSNP rs372970805, ClinGen allele CA6518348.

ClinVar aggregate classification (germline): Likely benign (0 of 4 stars; one submission).

Conditions:
GXYLT1-related disorder. Also called: GXYLT1-related condition.

Allele frequency attached by ClinVar (database versions not stated): ExAC 0.00001; TOPMed 0.00002; gnomAD 0.00003; ESP Exome Variant Server 0.00009.
gnomAD v4.1: 22 of 1,566,820 alleles (0.0014%); highest among the groups gnomAD compares: South Asian, 0.0023%; no homozygotes.

Submission:

PreventionGenetics, part of Exact Sciences
Classification: Likely benign for GXYLT1-related condition. Last evaluated: 2019-12-09. Review status: no assertion criteria provided. Collection method: clinical testing. Allele origin: germline.
Comment: This variant is classified as likely benign based on ACMG/AMP sequence variant interpretation guidelines (Richards et al. 2015 PMID: 25741868, with internal and published modifications).